The following is an entry in ClinVar:

NM_003356.4(UCP3):c.389C>T (p.Ala130Val)

Gene: UCP3 (uncoupling protein 3; minus strand). Cytogenetic location: 11q13.4.
Variant type: single nucleotide variant.
Coding change: c.389C>T on transcript NM_003356.4 (MANE Select); coding-DNA position 389, C replaced by T.
Protein change: p.Ala130Val; replaces alanine 130 with valine.
Molecular consequence: missense variant.
Genome position (GRCh38, 1-based): chr11:74,005,882, G>A on the plus strand (C>T on the coding strand, the complement: UCP3 is on the minus strand). VCF-style: chr11-74005882-G-A. GRCh37 (hg19) VCF-style: chr11-73716927-G-A.
Other names: c.389C>T, p.Ala130Val (NM_022803.3); short protein forms A130V.
Identifiers: ClinVar variation 3352784 (VCV003352784.1).
Genomic context (GRCh38, chr11:74,005,882, plus strand): 5'-AGGTGTATGCTGGCCTGAAATCGGACCTTCACCACATCTGTGGGCTGGGCACAGGTCACC[G>A]CCATGGCTCCTGTGGTGCAGCCGGCCAAAATCCGGGTAGTGAGGCTGGAGTCTGGGAGGG-3'
Protein context (NP_003347.1, residues 120-140): ILAGCTTGAM[Ala130Val]VTCAQPTDVV

ClinVar aggregate classification (germline): Uncertain significance (0 of 4 stars; one submission).

Conditions:
UCP3-related disorder. Also called: UCP3-related condition.

gnomAD v4.1: 86 of 1,614,036 alleles (0.0053%); highest among the groups gnomAD compares: Middle Eastern, 0.016%; no homozygotes.

Submission:

PreventionGenetics, part of Exact Sciences
Classification: Uncertain significance for UCP3-related condition. Last evaluated: 2024-06-27. Review status: no assertion criteria provided. Collection method: clinical testing. Allele origin: germline.
Comment: The UCP3 c.389C>T variant is predicted to result in the amino acid substitution p.Ala130Val. To our knowledge, this variant has not been reported in the literature. This variant is reported in 0.087% of alleles in individuals of Ashkenazi Jewish descent in gnomAD, which may be too frequent to be a primary cause of disease. Although we suspect that this variant may be benign, at this time, the clinical significance of this variant is uncertain due to the absence of conclusive functional and genetic evidence.